The following is an entry in ClinVar:

NM_000051.4(ATM):c.3153+6T>C

Gene: ATM (ATM serine/threonine kinase; plus strand). Cytogenetic location: 11q22.3.
Variant type: single nucleotide variant.
Coding change: c.3153+6T>C on transcript NM_000051.4 (MANE Select); 6 bases into the intron after coding-DNA position 3153, T replaced by C.
Molecular consequence: intron variant.
Genome position (GRCh38, 1-based): chr11:108,272,613, T>C. VCF-style: chr11-108272613-T-C. GRCh37 (hg19) VCF-style: chr11-108143340-T-C.
Other names: c.3153+6T>C (NM_001351834.2).
Identifiers: ClinVar variation 2066132 (VCV002066132.4), dbSNP rs2135567056, ClinGen allele CA2580083309.

ClinVar aggregate classification (germline): Uncertain significance (1 of 4 stars; one submission).

Conditions:
Ataxia-telangiectasia syndrome (AT). Also called: Ataxia-telangiectasia, complementation group E; Ataxia-telangiectasia; Ataxia telangiectasia (A-T); Cerebello-oculocutaneous telangiectasia; Immunodeficiency with ataxia telangiectasia; LOUIS-BAR SYNDROME. Identifiers: Orphanet 100, MedGen C0004135, MONDO:0008840, OMIM 208900.

Submission:

Labcorp Genetics (formerly Invitae), Labcorp
Classification: Uncertain significance for Ataxia-telangiectasia syndrome. Last evaluated: 2021-12-30. Review status: criteria provided, single submitter. Criteria: Invitae Variant Classification Sherloc (09022015). Collection method: clinical testing. Allele origin: germline.
Comment: In summary, the available evidence is currently insufficient to determine the role of this variant in disease. Therefore, it has been classified as a Variant of Uncertain Significance. Variants that disrupt the consensus splice site are a relatively common cause of aberrant splicing (PMID: 17576681, 9536098). Algorithms developed to predict the effect of sequence changes on RNA splicing suggest that this variant is not likely to affect RNA splicing. This variant has not been reported in the literature in individuals affected with ATM-related conditions. This variant is not present in population databases (gnomAD no frequency). This sequence change falls in intron 21 of the ATM gene. It does not directly change the encoded amino acid sequence of the ATM protein. It affects a nucleotide within the consensus splice site.

Literature cited by the submitters: PubMed 17576681; PubMed 9536098.